The following is an entry in ClinVar:

ClinVar aggregate classification (germline): Pathogenic (1 of 4 stars; one submission).

Submission:

Labcorp Genetics (formerly Invitae), Labcorp
Classification: Pathogenic. Last evaluated: 2023-08-25. Review status: criteria provided, single submitter. Criteria: Invitae Variant Classification Sherloc (09022015). Collection method: clinical testing. Allele origin: germline.
Comment: For these reasons, this variant has been classified as Pathogenic. This variant has not been reported in the literature in individuals affected with COL7A1-related conditions. This variant is not present in population databases (gnomAD no frequency). This sequence change creates a premature translational stop signal (p.Glu915Aspfs*18) in the COL7A1 gene. It is expected to result in an absent or disrupted protein product. Loss-of-function variants in COL7A1 are known to be pathogenic (PMID: 16971478).

Literature cited by the submitters: PubMed 16971478.

NM_000094.4(COL7A1):c.2745del (p.Glu915fs)

Gene: COL7A1 (collagen type VII alpha 1 chain; minus strand). Cytogenetic location: 3p21.31.
Variant type: Deletion.
Coding change: c.2745del on transcript NM_000094.4 (MANE Select); coding-DNA position 2745, one base deleted (G; older notation c.2745delG).
Protein change: p.Glu915fs; shifts the reading frame from glutamic acid 915.
Molecular consequence: frameshift variant.
Genome position (GRCh38, 1-based): chr3:48,587,905, C deleted on the plus strand (G on the coding strand, the reverse complement: COL7A1 is on the minus strand). VCF-style (leftmost placement, unchanged base first): chr3-48587904-GC-G. GRCh37 (hg19) VCF-style: chr3-48625337-GC-G.
Other names: short protein forms E915fs.
Identifiers: ClinVar variation 2755181 (VCV002755181.3), dbSNP rs2531241997, ClinGen allele CA2697550936.
Genomic context (GRCh38, chr3:48,587,904, plus strand): 5'-CACTCAGCCTCACGCGGTACTGTGTCGCTGGCTCCAGCCCGTCCAGGTGATAGCTGCTGA[GC>G]TCGGGCCCCAGGACCCGGGACTGTTCCTGGCCACCTGGGGCAGGCGTGAGGGTGGGGGCC-3'